The following is an entry in ClinVar:

NM_000256.3(MYBPC3):c.1927+215C>T

Gene: MYBPC3 (myosin binding protein C3; minus strand). Cytogenetic location: 11p11.2.
Variant type: single nucleotide variant.
Coding change: c.1927+215C>T on transcript NM_000256.3 (MANE Select); 215 bases into the intron after coding-DNA position 1927, C replaced by T.
Molecular consequence: intron variant.
Genome position (GRCh38, 1-based): chr11:47,340,788, G>A on the plus strand (C>T on the coding strand, the complement: MYBPC3 is on the minus strand). VCF-style: chr11-47340788-G-A. GRCh37 (hg19) VCF-style: chr11-47362339-G-A.
Identifiers: ClinVar variation 672523 (VCV000672523.1), dbSNP rs10769253, ClinGen allele CA13519207.

ClinVar aggregate classification (germline): Benign (1 of 4 stars; one submission).

Allele frequency attached by ClinVar (database versions not stated): gnomAD 0.26050 and 0.26273; TOPMed 0.26735; 1000 Genomes Project 30x 0.33026; 1000 Genomes Project 0.33187.
gnomAD v4.1: 39,750 of 152,176 alleles (26%); highest among the groups gnomAD compares: East Asian, 58%; 6,104 homozygotes.

Submission:

GeneDx
Classification: Benign. Last evaluated: 2018-06-14. Review status: criteria provided, single submitter. Criteria: GeneDx Variant Classification (06012015). Collection method: clinical testing. Allele origin: germline. Affected: yes.
Comment: This variant is considered likely benign or benign based on one or more of the following criteria: it is a conservative change, it occurs at a poorly conserved position in the protein, it is predicted to be benign by multiple in silico algorithms, and/or has population frequency not consistent with disease.